The following is an entry in ClinVar:

NM_005802.5(TOPORS):c.2179A>G (p.Arg727Gly)

Gene: TOPORS (TOP1 binding arginine/serine rich protein, E3 ubiquitin ligase; minus strand). Cytogenetic location: 9p21.1.
Variant type: single nucleotide variant.
Coding change: c.2179A>G on transcript NM_005802.5 (MANE Select); coding-DNA position 2179, A replaced by G.
Protein change: p.Arg727Gly; replaces arginine 727 with glycine.
Molecular consequence: missense variant.
Genome position (GRCh38, 1-based): chr9:32,542,346, T>C on the plus strand (A>G on the coding strand, the complement: TOPORS is on the minus strand). VCF-style: chr9-32542346-T-C. GRCh37 (hg19) VCF-style: chr9-32542344-T-C.
Other names: c.2179A>G (NM_005802.4); c.1984A>G, p.Arg662Gly (NM_001195622.2); short protein forms R662G, R727G.
Identifiers: ClinVar variation 1469976 (VCV001469976.9), dbSNP rs2118966104, ClinGen allele CA373165664.

ClinVar aggregate classification (germline): Uncertain significance. Review status: criteria provided, multiple submitters, no conflicts (2 of 4 stars). 2 submissions from 2 submitters: Uncertain significance (2). Last evaluated 2025-12-03.

Conditions:
Inborn genetic diseases. Identifiers: MedGen C0950123, MeSH D030342.

Allele frequency attached by ClinVar (database versions not stated): gnomAD exomes 0.00001.
gnomAD v4.1: 8 of 1,614,202 alleles (0.0005%); highest among the groups gnomAD compares: Non-Finnish European, 0.00068%; no homozygotes.

Submissions (2):

Ambry Genetics
Classification: Uncertain significance for Inborn genetic diseases. Last evaluated: 2025-12-03. Review status: criteria provided, single submitter. Criteria: Ambry Variant Classification Scheme 2023. Collection method: clinical testing. Allele origin: germline.

Labcorp Genetics (formerly Invitae), Labcorp
Classification: Uncertain significance. Last evaluated: 2023-10-03. Review status: criteria provided, single submitter. Criteria: Invitae Variant Classification Sherloc (09022015). Collection method: clinical testing. Allele origin: germline.
Comment: This sequence change replaces arginine, which is basic and polar, with glycine, which is neutral and non-polar, at codon 727 of the TOPORS protein (p.Arg727Gly). This variant is not present in population databases (gnomAD no frequency). This variant has not been reported in the literature in individuals affected with TOPORS-related conditions. ClinVar contains an entry for this variant (Variation ID: 1469976). Experimental studies and prediction algorithms are not available or were not evaluated, and the functional significance of this variant is currently unknown. In summary, the available evidence is currently insufficient to determine the role of this variant in disease. Therefore, it has been classified as a Variant of Uncertain Significance.